The following is an entry in ClinVar:

ClinVar aggregate classification (germline): Likely benign (1 of 4 stars; one submission).

gnomAD v4.1: 4 of 1,599,182 alleles (0.00025%); highest among the groups gnomAD compares: Non-Finnish European, 0.00026%; no homozygotes.

Submission:

CeGaT Center for Human Genetics Tuebingen
Classification: Likely benign. Last evaluated: 2025-02-01. Review status: criteria provided, single submitter. Criteria: CeGaT Center For Human Genetics Tuebingen Variant Classification Criteria Version 2. Collection method: clinical testing. Allele origin: germline. Affected: yes. Observed: 1 variant allele.
Comment: CUX1: BP4, BP7

NM_181552.4(CUX1):c.1269G>T (p.Pro423=)

Gene: CUX1 (cut like homeobox 1; plus strand). Cytogenetic location: 7q22.1.
Variant type: single nucleotide variant.
Coding change: c.1269G>T on transcript NM_181552.4 (MANE Select); coding-DNA position 1269, G replaced by T.
Protein change: p.Pro423=; no amino-acid change (proline 423 retained).
Molecular consequence: synonymous variant. On other transcripts: intron variant (5).
Genome position (GRCh38, 1-based): chr7:102,196,680, G>T. VCF-style: chr7-102196680-G-T. GRCh37 (hg19) VCF-style: chr7-101839960-G-T.
Other names: c.1302G>T, p.Pro434= (NM_001202543.2); c.1255+1077G>T (NM_001913.5); c.1249+1077G>T (NM_181500.4); c.1117+1077G>T (NM_001202545.3); c.1207+1077G>T (NM_001202544.3); c.1138+1077G>T (NM_001202546.3).
Identifiers: ClinVar variation 3771198 (VCV003771198.13).
Genomic context (GRCh38, chr7:102,196,680, plus strand): 5'-GCCCTTCCTTGTAGGGTCAGCCAGGAGGAAAGGGAAAGACCAGCCTGAAAGTCGGCGCCC[G>T]GGATCTTTGCCGGCCCCCCCTCCTTCTCAGTTGCCCCGCAACCCGGGGGAGCAGGCTTCC-3'
Protein context (NP_853530.2, residues 413-433): KGKDQPESRR[Pro423=]GSLPAPPPSQ